The following is an entry in ClinVar:

NM_001164508.2(NEB):c.22591-3C>G

Genes: NEB (nebulin; minus strand), RIF1 (replication timing regulatory factor 1; plus strand). Cytogenetic location: 2q23.3.
Variant type: single nucleotide variant.
Coding change: c.22591-3C>G on transcript NM_001164508.2 (MANE Select); 3 bases into the intron before coding-DNA position 22591, C replaced by G.
Molecular consequence: intron variant.
Genome position (GRCh38, 1-based): chr2:151,519,072, G>C on the plus strand (C>G on the coding strand, the complement: NEB is on the minus strand). VCF-style: chr2-151519072-G-C. GRCh37 (hg19) VCF-style: chr2-152375586-G-C.
Other names: NM_001164508.2:c.22591-3C>G; c.17488-3C>G (NM_004543.5); c.22591-3C>G (NM_001164507.2); c.22696-3C>G (NM_001271208.2).
Identifiers: ClinVar variation 3233271 (VCV003233271.2), dbSNP rs778824203.

ClinVar aggregate classification (germline): Conflicting classifications of pathogenicity. Review status: criteria provided, conflicting classifications (1 of 4 stars). 2 submissions from 2 submitters: Pathogenic (1); Uncertain significance (1). Last evaluated 2025-03-03.

Conditions:
Nemaline myopathy. Also called: Myopathies, Nemaline. Identifiers: Orphanet 607, MedGen C0206157, MONDO:0018958.

gnomAD v4.1: 2 of 1,579,564 alleles (0.00013%); highest among the groups gnomAD compares: Non-Finnish European, 0.00017%; no homozygotes.

Submissions (2):

Broad Center for Mendelian Genomics, Broad Institute of MIT and Harvard
Classification: Uncertain significance for Nemaline myopathy. Last evaluated: 2025-03-03. Review status: criteria provided, single submitter. Criteria: ACMG Guidelines, 2015. Collection method: curation. Allele origin: germline. Inheritance: Autosomal recessive inheritance.
Comment: The c.22591-3C>G variant in NEB has been reported in one individual with nemaline myopathy (PMID: 24725366), and has been identified in 0.002% (2/1080718) of European (non-Finnish) chromosomes by the Genome Aggregation Database (gnomAD; dbSNP ID: rs778824203). Although this variant has been seen in the general population in a heterozygous state, its frequency is low enough to be consistent with a recessive carrier frequency. This variant is located in the 5' splice region. Computational tools do suggest an impact to splicing. However, this information is not predictive enough to determine pathogenicity. The phenotype of an individual heterozygous for this variant is highly specific for nemaline myopathy based on nemaline rods seen in the muscle biopsy consistent with disease (PMID: 24725366). In summary, the clinical significance of the c.22591-3C>G variant is uncertain. ACMG/AMP Criteria applied: PP3, PM2_supporting, PP4 (Richards 2015).

Muscle and Diseases Team, Institut de Génétique et Biologie Moléculaire et Cellulaire
Classification: Pathogenic for Nemaline myopathy. Last evaluated: 2024-03-01. Review status: criteria provided, single submitter. Criteria: ACMG Guidelines, 2015. Collection method: research. Allele origin: unknown. Affected: yes. Observed: 1 variant allele.
Comment: PS3+PM1+PM2+PP3+PP4

Literature cited by the submitters: DOI 10.1186/s13073-024-01353-0 (cited by Muscle and Diseases Team, Institut de Génétique et Biologie Moléculaire et Cellulaire); PubMed 25205138 (cited by Muscle and Diseases Team, Institut de Génétique et Biologie Moléculaire et Cellulaire); PubMed 24725366 (cited by Muscle and Diseases Team, Institut de Génétique et Biologie Moléculaire et Cellulaire).